The following is an entry in ClinVar:

ClinVar aggregate classification (germline): Pathogenic (1 of 4 stars; one submission).

Conditions:
Neurofibromatosis, type 1 (NF1). Also called: VON RECKLINGHAUSEN DISEASE; NEUROFIBROMATOSIS, TYPE I, SOMATIC; Peripheral type neurofibromatosis; Neurofibromatosis, type I. Identifiers: Orphanet 636, MedGen C0027831, MONDO:0018975, OMIM 162200. Disease mechanism: loss of function.

Submission:

Labcorp Genetics (formerly Invitae), Labcorp
Classification: Pathogenic for Neurofibromatosis, type 1. Last evaluated: 2019-05-05. Review status: criteria provided, single submitter. Criteria: Invitae Variant Classification Sherloc (09022015). Collection method: clinical testing. Allele origin: germline.
Comment: This sequence change creates a premature translational stop signal (p.Tyr2417*) in the NF1 gene. It is expected to result in an absent or disrupted protein product. This variant is not present in population databases (ExAC no frequency). This variant has not been reported in the literature in individuals with NF1-related conditions. Loss-of-function variants in NF1 are known to be pathogenic (PMID: 10712197, 23913538). For these reasons, this variant has been classified as Pathogenic.

Literature cited by the submitters: PubMed 10712197; PubMed 23913538.

NM_001042492.3(NF1):c.7314_7317del (p.Ala2437_Tyr2438insTer)

Gene: NF1 (neurofibromin 1; plus strand). Cytogenetic location: 17q11.2.
Variant type: Deletion.
Coding change: c.7314_7317del on transcript NM_001042492.3 (MANE Select); coding-DNA positions 7314 to 7317, 4 bases deleted (CTTA; older notation c.7314_7317delCTTA).
Protein change: p.Ala2437_Tyr2438insTer.
Molecular consequence: nonsense. On other transcripts: frameshift variant (1).
Genome position (GRCh38, 1-based): chr17:31,349,244-31,349,247, CTTA deleted; deleting any 4 consecutive bases within chr17:31,349,242-31,349,247 gives the same sequence; the c. name uses the placement nearest the transcript's 3' end. VCF-style (leftmost placement, unchanged base first): chr17-31349241-CTACT-C. GRCh37 (hg19) VCF-style: chr17-29676259-CTACT-C.
Other names: c.7251_7254delCTTA, p.Tyr2417Terfs (NM_000267.4).
Identifiers: ClinVar variation 950075 (VCV000950075.6), dbSNP rs2070078716, ClinGen allele CA1139665474.